The following is an entry in ClinVar:

NC_000008.10:g.(?_31001056)_(31001149_?)del

Gene: WRN (WRN RecQ like helicase; plus strand). Cytogenetic location: 8p12.
Variant type: Deletion.
Identifiers: ClinVar variation 2423320 (VCV002423320.4).

ClinVar aggregate classification (germline): Pathogenic (1 of 4 stars; one submission).

Conditions:
Werner syndrome (WRN). Identifiers: Orphanet 902, MedGen C0043119, MONDO:0010196, OMIM 277700.

Submission:

Labcorp Genetics (formerly Invitae), Labcorp
Classification: Pathogenic for Werner syndrome. Last evaluated: 2021-11-29. Review status: criteria provided, single submitter. Criteria: Invitae Variant Classification Sherloc (09022015). Collection method: clinical testing. Allele origin: germline.
Comment: For these reasons, this variant has been classified as Pathogenic. This variant has not been reported in the literature in individuals affected with WRN-related conditions. This variant is a gross deletion of the genomic region encompassing exon(s) 28 of the WRN gene. This deletion is out-of-frame, and is expected to create a premature termination codon and result in an absent or disrupted protein product. Loss-of-function variants in WRN are known to be pathogenic (PMID: 16673358).

Literature cited by the submitters: PubMed 16673358.